The following is an entry in ClinVar:

ClinVar aggregate classification (germline): Uncertain significance (1 of 4 stars; one submission).

Conditions:
Hereditary pancreatitis (PCTT). Also called: Hereditary chronic pancreatitis; PRSS1-Related Hereditary Pancreatitis. Identifiers: Orphanet 676, MedGen C0238339, MONDO:0008185, OMIM 167800.

Allele frequency attached by ClinVar (database versions not stated): gnomAD exomes 0.00001; TOPMed 0.00002.
gnomAD v4.1: 12 of 1,614,184 alleles (0.00074%); highest among the groups gnomAD compares: Non-Finnish European, 0.001%; no homozygotes.

Submission:

Ambry Genetics
Classification: Uncertain significance for Hereditary pancreatitis. Last evaluated: 2022-01-26. Review status: criteria provided, single submitter. Criteria: Ambry Variant Classification Scheme 2023. Collection method: clinical testing. Allele origin: germline.
Comment: The p.K51E variant (also known as c.151A>G), located in coding exon 3 of the CTRC gene, results from an A to G substitution at nucleotide position 151. The lysine at codon 51 is replaced by glutamic acid, an amino acid with similar properties. This amino acid position is conserved. In addition, this alteration is predicted to be tolerated by in silico analysis. Since supporting evidence is limited at this time, the clinical significance of this alteration remains unclear.

NM_007272.3(CTRC):c.151A>G (p.Lys51Glu)

Gene: CTRC (chymotrypsin C; plus strand). Cytogenetic location: 1p36.21.
Variant type: single nucleotide variant.
Coding change: c.151A>G on transcript NM_007272.3 (MANE Select); coding-DNA position 151, A replaced by G.
Protein change: p.Lys51Glu; replaces lysine 51 with glutamic acid.
Molecular consequence: missense variant.
Genome position (GRCh38, 1-based): chr1:15,440,511, A>G. VCF-style: chr1-15440511-A-G. GRCh37 (hg19) VCF-style: chr1-15767007-A-G.
Other names: short protein forms K51E.
Identifiers: ClinVar variation 1774386 (VCV001774386.2), dbSNP rs1002224359, ClinGen allele CA18250572.